The following is an entry in ClinVar:

NM_000092.5(COL4A4):c.4787G>A (p.Trp1596Ter)

Gene: COL4A4 (collagen type IV alpha 4 chain; minus strand). Cytogenetic location: 2q36.3.
Variant type: single nucleotide variant.
Coding change: c.4787G>A on transcript NM_000092.5 (MANE Select); coding-DNA position 4787, G replaced by A.
Protein change: p.Trp1596Ter; replaces tryptophan 1596 with a stop codon.
Molecular consequence: nonsense.
Genome position (GRCh38, 1-based): chr2:227,008,040, C>T on the plus strand (G>A on the coding strand, the complement: COL4A4 is on the minus strand). VCF-style: chr2-227008040-C-T. GRCh37 (hg19) VCF-style: chr2-227872756-C-T.
Other names: p.(Trp1596*); c.4787G>A (NM_000092.4); short protein forms W1596*.
Identifiers: ClinVar variation 1350377 (VCV001350377.10), dbSNP rs1222429942, ClinGen allele CA351140481.
Genomic context (GRCh38, chr2:227,008,040, plus strand): 5'-GGTGAATGAGCCAGGGTTTTCAAGGGCACGGGACTCACCATCAGGAATGAATACCCGATC[C>T]AGAGGCTCCTCCAGGTCTGCGGACATGGGGGGATGGACTGGTCCTGGCTGTGCACCGCCA-3'

ClinVar aggregate classification (germline): Pathogenic. Review status: criteria provided, multiple submitters, no conflicts (2 of 4 stars). 3 submissions from 3 submitters: Pathogenic (3). Last evaluated 2026-04-24.

Conditions:
Alport syndrome. Also called: Hemorrhagic familial nephritis; Hemorrhagic hereditary nephritis; Congenital hereditary hematuria. Identifiers: Orphanet 63, MedGen C1567741, MONDO:0018965.
Autosomal dominant Alport syndrome (ATS3A). Also called: Alport syndrome dominant type; Renal failure and sensorineural hearing loss; ALPORT SYNDROME 3A, AUTOSOMAL DOMINANT. Identifiers: Orphanet 63, Orphanet 88918, MedGen C5882663, MONDO:0007086, OMIM 104200.
Hematuria, benign familial, 1 (BFH1). Also called: THIN MEMBRANE NEPHROPATHY. Identifiers: MedGen CN376803, MONDO:0007709, OMIM 141200.

Allele frequency attached by ClinVar (database versions not stated): gnomAD 0.00001; gnomAD exomes 0.00001.
gnomAD v4.1: 4 of 1,612,842 alleles (0.00025%); highest among the groups gnomAD compares: Non-Finnish European, 0.00034%; no homozygotes.

Submissions (3):

Centre de Génétique Humaine, Institut de Pathologie Et de Génétique
Classification: Pathogenic for Hematuria, benign familial, 1; Autosomal dominant Alport syndrome. Last evaluated: 2026-04-24. Review status: criteria provided, single submitter. Criteria: ACMG Guidelines, 2015. Collection method: clinical testing. Allele origin: germline, maternal. Inheritance: Autosomal dominant inheritance. Affected: yes. Observed: 10 variant alleles, 10 heterozygotes. Clinical features observed: Microscopic hematuria (HP:0002907), Stage 2 chronic kidney disease (HP:0012624), Severe albuminuria (HP:0033066), Hypertensive disorder (HP:0000822), Stage 4 chronic kidney disease (HP:0012626), Moderate albuminuria (HP:0012594). Segregation with disease observed.
Comment: Nonsense variant predicted to result in protein truncation or nonsense mediated decay in a gene for which loss-of-function is a known mechanism of disease (PVS1). This variant is rare: allelic frequency of 0.00025% in gnomAD v4.1.0 database (PM2). Same variant resulting from another nucleotide change (c.4788G>A) described in scientific litterature in patients with AR or AD AS (PMID: 24052634; PMID: 36685964. Variant described in patient with AD AS (PP5).

Victorian Clinical Genetics Services, Murdoch Childrens Research Institute
Classification: Pathogenic for Alport syndrome. Last evaluated: 2024-10-09. Review status: criteria provided, single submitter. Criteria: ACMG Guidelines, 2015. Collection method: clinical testing. Allele origin: germline. Affected: yes.
Comment: Based on the classification scheme VCGS_Germline_v1.3.4, this variant is classified as Pathogenic. Following criteria are met: 0103 - Loss of function is a known mechanism of disease for this gene and is associated with Alport syndrome. Dominant negative is a suspected mechanism of disease for this gene as it is a structural protein (PMIDs: 12028435, 24046192). (I) 0108 - This gene is associated with both recessive and dominant disease. Alport syndrome typically has biallelic inheritance, although rare cases of monoallelic inheritance have been reported (PMID: 28704582). Thin basement membrane nephropathy (TBMN) and focal segmental glomerulosclerosis (FSGS) are associated with autosomal dominant inheritance (OMIM, PMIDs: 16467446, 17942953). (I) 0205 - Variant is predicted to result in a truncated protein (premature termination codon is NOT located at least 54 nucleotides upstream of the final exon-exon junction) with less than 1/3 of the protein sequence affected. (SP) 0251 - This variant is heterozygous. (I) 0304 - Variant is present in gnomAD (v2) <0.01 (3 heterozygotes, 0 homozygotes). (SP) 0600 - Variant is located in the affected C-terminal tandem repeated domain in type 4 procollagen (DECIPHER). (I) 0701 - Other downstream truncating variants comparable to the one identified in this case have very strong previous evidence for pathogenicity. Many downstream truncating variants have been reported as pathogenic (ClinVar). (SP) 0802 - This variant has moderate previous evidence of pathogenicity in unrelated individuals. This variant has been reported once as pathogenic and once as a VUS (ClinVar). It has also been reported in a homozygous individual with renal failure and hearing loss and a heterozygous individual with autosomal dominant Alport syndrome (PMIDs: 36685964, 24052634). (SP) 1007 - No published functional evidence has been identified for this variant. (I) 1208 - Inheritance information for this variant is not currently available in this individual. (I) Legend: (SP) - Supporting pathogenic, (I) - Information, (SB) - Supporting benign

Labcorp Genetics (formerly Invitae), Labcorp
Classification: Pathogenic. Last evaluated: 2021-01-16. Review status: criteria provided, single submitter. Criteria: Invitae Variant Classification Sherloc (09022015). Collection method: clinical testing. Allele origin: germline.
Comment: This sequence change creates a premature translational stop signal (p.Trp1596*) in the COL4A4 gene. While this is not anticipated to result in nonsense mediated decay, it is expected to disrupt the last 95 amino acid(s) of the COL4A4 protein. This variant is not present in population databases (ExAC no frequency). This variant has been observed in individual(s) with Alport syndrome (PMID: 24052634, 29854973). This variant disrupts the C-terminus of the COL4A4 protein. Other variant(s) that disrupt this region (p.Arg1682Glyfs*6) have been determined to be pathogenic (Invitae). This suggests that variants that disrupt this region of the protein are likely to be causative of disease. For these reasons, this variant has been classified as Pathogenic.

Literature cited by the submitters: PubMed 29854973 (cited by Centre de Génétique Humaine, Institut de Pathologie Et de Génétique and Labcorp Genetics (formerly Invitae), Labcorp); PubMed 12028435 (cited by Victorian Clinical Genetics Services, Murdoch Childrens Research Institute); PubMed 16467446 (cited by Victorian Clinical Genetics Services, Murdoch Childrens Research Institute); PubMed 17942953 (cited by Victorian Clinical Genetics Services, Murdoch Childrens Research Institute); PubMed 24046192 (cited by Victorian Clinical Genetics Services, Murdoch Childrens Research Institute); PubMed 24052634 (cited by Victorian Clinical Genetics Services, Murdoch Childrens Research Institute and Labcorp Genetics (formerly Invitae), Labcorp); PubMed 28704582 (cited by Victorian Clinical Genetics Services, Murdoch Childrens Research Institute); PubMed 36685964 (cited by Victorian Clinical Genetics Services, Murdoch Childrens Research Institute).